The following is an entry in ClinVar:

NM_000245.4(MET):c.3919T>C (p.Tyr1307His)

Gene: MET (MET proto-oncogene, receptor tyrosine kinase; plus strand). Cytogenetic location: 7q31.2.
Variant type: single nucleotide variant.
Coding change: c.3919T>C on transcript NM_000245.4 (MANE Select); coding-DNA position 3919, T replaced by C.
Protein change: p.Tyr1307His; replaces tyrosine 1307 with histidine.
Molecular consequence: missense variant.
Genome position (GRCh38, 1-based): chr7:116,795,775, T>C. VCF-style: chr7-116795775-T-C. GRCh37 (hg19) VCF-style: chr7-116435829-T-C.
Other names: c.3973T>C, p.Tyr1325His (NM_001127500.3); c.2629T>C, p.Tyr877His (NM_001324402.2); short protein forms Y877H, Y1307H, Y1325H.
Identifiers: ClinVar variation 4053927 (VCV004053927.2).

ClinVar aggregate classification (germline): Uncertain significance. Review status: criteria provided, multiple submitters, no conflicts (2 of 4 stars). 2 submissions from 2 submitters: Uncertain significance (2). Last evaluated 2025-07-15.

Conditions:
Hereditary cancer-predisposing syndrome. Also called: Neoplastic Syndromes, Hereditary; Tumor predisposition; Hereditary neoplastic syndrome; Hereditary Cancer Syndrome. Identifiers: Orphanet 140162, MedGen C0027672, MeSH D009386, MONDO:0015356.
Renal cell carcinoma. Identifiers: Orphanet 217071, MedGen C0007134, MeSH D002292, MONDO:0005086, HP:0005584.

gnomAD v4.1: 2 of 1,614,222 alleles (0.00012%); highest among the groups gnomAD compares: Non-Finnish European, 0.00017%; no homozygotes.

Submissions (2):

Labcorp Genetics (formerly Invitae), Labcorp
Classification: Uncertain significance for Renal cell carcinoma. Last evaluated: 2025-07-15. Review status: criteria provided, single submitter. Criteria: Invitae Variant Classification Sherloc (09022015). Collection method: clinical testing. Allele origin: germline.
Comment: This sequence change replaces tyrosine, which is neutral and polar, with histidine, which is basic and polar, at codon 1325 of the MET protein (p.Tyr1325His). This variant is not present in population databases (gnomAD no frequency). This variant has not been reported in the literature in individuals affected with MET-related conditions. Invitae Evidence Modeling of protein sequence and biophysical properties (such as structural, functional, and spatial information, amino acid conservation, physicochemical variation, residue mobility, and thermodynamic stability) indicates that this missense variant is not expected to disrupt MET protein function with a negative predictive value of 80%. In summary, the available evidence is currently insufficient to determine the role of this variant in disease. Therefore, it has been classified as a Variant of Uncertain Significance.

Ambry Genetics
Classification: Uncertain significance for Hereditary cancer-predisposing syndrome. Last evaluated: 2025-03-28. Review status: criteria provided, single submitter. Criteria: Ambry Variant Classification Scheme 2023. Collection method: clinical testing. Allele origin: germline.
Comment: The p.Y1325H variant (also known as c.3973T>C), located in coding exon 19 of the MET gene, results from a T to C substitution at nucleotide position 3973. The tyrosine at codon 1325 is replaced by histidine, an amino acid with similar properties. This amino acid position is conserved. In addition, the in silico prediction for this alteration is inconclusive. Based on the available evidence, the clinical significance of this variant remains unclear.